The following is an entry in ClinVar:

NM_001365536.1(SCN9A):c.5795T>C (p.Met1932Thr)

Genes: SCN1A-AS1 (SCN1A and SCN9A antisense RNA 1; plus strand), SCN9A (sodium voltage-gated channel alpha subunit 9; minus strand). Cytogenetic location: 2q24.3.
Variant type: single nucleotide variant.
Coding change: c.5795T>C on transcript NM_001365536.1 (MANE Select); coding-DNA position 5795, T replaced by C.
Protein change: p.Met1932Thr; replaces methionine 1932 with threonine.
Molecular consequence: missense variant.
Genome position (GRCh38, 1-based): chr2:166,198,844, A>G on the plus strand (T>C on the coding strand, the complement: SCN9A is on the minus strand). VCF-style: chr2-166198844-A-G. GRCh37 (hg19) VCF-style: chr2-167055354-A-G.
Other names: c.5762T>C, p.Met1921Thr (NM_002977.4); short protein forms M1921T, M1932T.
Identifiers: ClinVar variation 835187 (VCV000835187.7), dbSNP rs1021905006, ClinGen allele CA59782861.

ClinVar aggregate classification (germline): Uncertain significance (1 of 4 stars; one submission).

Conditions:
Generalized epilepsy with febrile seizures plus, type 7 (GEFSP7). Also called: GEFS+, TYPE 7. Identifiers: Orphanet 36387, MedGen C2751778, MONDO:0013470, OMIM 613863.
Neuropathy, hereditary sensory and autonomic, type 2A (HSAN2A). Also called: MORVAN DISEASE; NEUROPATHY, CONGENITAL SENSORY; NEUROPATHY, HEREDITARY SENSORY RADICULAR, AUTOSOMAL RECESSIVE; NEUROPATHY, HEREDITARY SENSORY, TYPE IIA; NEUROPATHY, PROGRESSIVE SENSORY, OF CHILDREN; WNK1-Related HSAN2 (HSAN2A). Identifiers: Orphanet 970, MedGen C2752089, MONDO:0024309, OMIM 201300.

Allele frequency attached by ClinVar (database versions not stated): gnomAD exomes below 0.00001; TOPMed below 0.00001; gnomAD 0.00001.

Submission:

Labcorp Genetics (formerly Invitae), Labcorp
Classification: Uncertain significance for Neuropathy, hereditary sensory and autonomic, type 2A; Generalized epilepsy with febrile seizures plus, type 7. Last evaluated: 2021-08-28. Review status: criteria provided, single submitter. Criteria: Invitae Variant Classification Sherloc (09022015). Collection method: clinical testing. Allele origin: germline.
Comment: This sequence change replaces methionine with threonine at codon 1921 of the SCN9A protein (p.Met1921Thr). The methionine residue is moderately conserved and there is a moderate physicochemical difference between methionine and threonine. This variant is not present in population databases (ExAC no frequency). This variant has not been reported in the literature in individuals affected with SCN9A-related conditions. Algorithms developed to predict the effect of missense changes on protein structure and function output the following: SIFT: "Tolerated"; PolyPhen-2: "Benign"; Align-GVGD: "Class C0". The threonine amino acid residue is found in multiple mammalian species, which suggests that this missense change does not adversely affect protein function. In summary, the available evidence is currently insufficient to determine the role of this variant in disease. Therefore, it has been classified as a Variant of Uncertain Significance.